The following is an entry in ClinVar:

ClinVar aggregate classification (germline): Uncertain significance (1 of 4 stars; one submission).

gnomAD v4.1: 10 of 1,613,738 alleles (0.00062%); highest among the groups gnomAD compares: Admixed American, 0.0017%; no homozygotes.

Submission:

Dasa
Classification: Uncertain significance. Last evaluated: 2025-10-03. Review status: criteria provided, single submitter. Criteria: DASA Assertion Criteria. Collection method: clinical testing. Allele origin: germline.
Comment: NM_001393504.1(MAST3):c.2053G>A (p.Val685Met) is a missense variant that results in the substitution of valine with methionine. This variant is rare in population databases. Computational prediction algorithms are consistent with a benign effect. The currently available literature and clinical evidence are not sufficient to establish a definitive association between this variant and the reported condition. Therefore, this variant is classified as a variant of uncertain significance.

NM_001393504.1(MAST3):c.2053G>A (p.Val685Met)

Gene: MAST3 (microtubule associated serine/threonine kinase 3; plus strand). Cytogenetic location: 19p13.11.
Variant type: single nucleotide variant.
Coding change: c.2053G>A on transcript NM_001393504.1 (MANE Select); coding-DNA position 2053, G replaced by A.
Protein change: p.Val685Met; replaces valine 685 with methionine.
Molecular consequence: missense variant.
Genome position (GRCh38, 1-based): chr19:18,137,319, G>A. VCF-style: chr19-18137319-G-A. GRCh37 (hg19) VCF-style: chr19-18248129-G-A.
Other names: c.1981G>A, p.Val661Met (NM_001393519.1, NM_001393511.1); c.1963G>A, p.Val655Met (NM_001393520.1, NM_001393515.1); c.1939G>A, p.Val647Met (NM_001393521.1); c.1966G>A, p.Val656Met (NM_015016.2, NM_001393514.1); c.2077G>A, p.Val693Met (NM_001393501.1); c.2056G>A, p.Val686Met (NM_001393502.1); c.2053G>A, p.Val685Met (NM_001393503.1); c.2050G>A, p.Val684Met (NM_001393505.1); and 4 more; short protein forms V647M, V655M, V656M, V661M, V662M, V663M, V669M, V678M.
Identifiers: ClinVar variation 5020844 (VCV005020844.1).